The following is an entry in ClinVar:

NM_001143809.2(BDNF):c.49G>A (p.Ala17Thr)

Gene: BDNF (brain derived neurotrophic factor; minus strand). Cytogenetic location: 11p14.1.
Variant type: single nucleotide variant.
Coding change: c.49G>A on transcript NM_001143809.2; coding-DNA position 49, G replaced by A.
Protein change: p.Ala17Thr; replaces alanine 17 with threonine.
Molecular consequence: missense variant. On other transcripts: 5 prime UTR variant (3), intron variant (6).
Genome position (GRCh38, 1-based): chr11:27,700,988, C>T on the plus strand (G>A on the coding strand, the complement: BDNF is on the minus strand). VCF-style: chr11-27700988-C-T. GRCh37 (hg19) VCF-style: chr11-27722535-C-T.
Other names: c.-29G>A (NM_001143808.2); c.-76G>A (NM_001143810.2); c.-439G>A (NM_001143811.2); c.3+20424G>A (NM_170731.5); c.-22+19656G>A (NM_001143805.1); c.-22+19441G>A (NM_001143806.1); c.-22+19358G>A (NM_170732.4); c.-22+18523G>A (NM_001143807.2); and 1 more; short protein forms A17T.
Identifiers: ClinVar variation 2635757 (VCV002635757.4), dbSNP rs377250764, ClinGen allele CA5929261.

ClinVar aggregate classification (germline): Uncertain significance (1 of 4 stars; one submission).

Conditions:
BDNF-related disorder. Also called: BDNF-related condition.

Allele frequency attached by ClinVar (database versions not stated): gnomAD exomes 0.00002; TOPMed 0.00018; ESP Exome Variant Server 0.00020; gnomAD 0.00018; ExAC 0.00005.
gnomAD v4.1: 45 of 1,361,382 alleles (0.0033%); highest among the groups gnomAD compares: African/African-American, 0.065%; no homozygotes.

Submission:

PreventionGenetics, part of Exact Sciences
Classification: Uncertain significance for BDNF-related condition. Last evaluated: 2025-12-04. Review status: criteria provided, single submitter. Criteria: ACMG Guidelines, 2015. Collection method: clinical testing. Allele origin: germline.
Comment: The BDNF c.49G>A variant is predicted to result in the amino acid substitution p.Ala17Thr. To our knowledge, this variant has not been reported in the literature. This variant is reported in 0.063% of alleles in individuals of African descent in gnomAD. Although we suspect that this variant may be benign, at this time, the clinical significance of this variant is uncertain due to the absence of conclusive functional and genetic evidence.